The following is an entry in ClinVar:

ClinVar aggregate classification (germline): Uncertain significance (1 of 4 stars; one submission).

Conditions:
Epilepsy, X-linked 1, with variable learning disabilities and behavior disorders. Also called: X-linked epilepsy-learning disabilities-behavior disorders syndrome. Identifiers: Orphanet 85294, MedGen C5774177, MONDO:0010339, OMIM 300491.

Allele frequency attached by ClinVar (database versions not stated): TOPMed below 0.00001.

Submission:

Labcorp Genetics (formerly Invitae), Labcorp
Classification: Uncertain significance for Epilepsy, X-linked 1, with variable learning disabilities and behavior disorders. Last evaluated: 2025-09-24. Review status: criteria provided, single submitter. Criteria: Invitae Variant Classification Sherloc (09022015). Collection method: clinical testing. Allele origin: germline.
Comment: This sequence change replaces asparagine, which is neutral and polar, with serine, which is neutral and polar, at codon 338 of the SYN1 protein (p.Asn338Ser). This variant is not present in population databases (gnomAD no frequency). This variant has not been reported in the literature in individuals affected with SYN1-related conditions. ClinVar contains an entry for this variant (Variation ID: 862760). An algorithm developed to predict the effect of missense changes on protein structure and function (PolyPhen-2) suggests that this variant is likely to be tolerated. In summary, the available evidence is currently insufficient to determine the role of this variant in disease. Therefore, it has been classified as a Variant of Uncertain Significance.

NM_006950.3(SYN1):c.1013A>G (p.Asn338Ser)

Gene: SYN1 (synapsin I; minus strand). Cytogenetic location: Xp11.3.
Variant type: single nucleotide variant.
Coding change: c.1013A>G on transcript NM_006950.3 (MANE Select); coding-DNA position 1013, A replaced by G.
Protein change: p.Asn338Ser; replaces asparagine 338 with serine.
Molecular consequence: missense variant.
Genome position (GRCh38, 1-based): chrX:47,576,374, T>C on the plus strand (A>G on the coding strand, the complement: SYN1 is on the minus strand). VCF-style: chrX-47576374-T-C. GRCh37 (hg19) VCF-style: chrX-47435773-T-C.
Other names: c.1013A>G, p.Asn338Ser (NM_133499.2); short protein forms N338S.
Identifiers: ClinVar variation 862760 (VCV000862760.14), dbSNP rs2057777720, ClinGen allele CA412826707.